The following is an entry in ClinVar:

ClinVar aggregate classification (germline): Uncertain significance. Review status: criteria provided, multiple submitters, no conflicts (2 of 4 stars). 2 submissions from 2 submitters: Uncertain significance (2). Last evaluated 2025-08-03.

Conditions:
Inborn genetic diseases. Identifiers: MedGen C0950123, MeSH D030342.

gnomAD v4.1: 7 of 1,613,426 alleles (0.00043%); highest among the groups gnomAD compares: Non-Finnish European, 0.00059%; no homozygotes.

Submissions (2):

Ambry Genetics
Classification: Uncertain significance for Inborn genetic diseases. Last evaluated: 2025-08-03. Review status: criteria provided, single submitter. Criteria: Ambry Variant Classification Scheme 2023. Collection method: clinical testing. Allele origin: germline.

Labcorp Genetics (formerly Invitae), Labcorp
Classification: Uncertain significance. Last evaluated: 2024-05-06. Review status: criteria provided, single submitter. Criteria: Invitae Variant Classification Sherloc (09022015). Collection method: clinical testing. Allele origin: germline.
Comment: This sequence change replaces methionine, which is neutral and non-polar, with valine, which is neutral and non-polar, at codon 29 of the DDX58 protein (p.Met29Val). This variant is present in population databases (rs778513608, gnomAD 0.002%). This variant has not been reported in the literature in individuals affected with DDX58-related conditions. Algorithms developed to predict the effect of missense changes on protein structure and function output the following: SIFT: "Not Available"; PolyPhen-2: "Benign"; Align-GVGD: "Not Available". The valine amino acid residue is found in multiple mammalian species, which suggests that this missense change does not adversely affect protein function. In summary, the available evidence is currently insufficient to determine the role of this variant in disease. Therefore, it has been classified as a Variant of Uncertain Significance.

NM_014314.4(RIGI):c.85A>G (p.Met29Val)

Gene: RIGI (RNA sensor RIG-I; minus strand). Cytogenetic location: 9p21.1.
Variant type: single nucleotide variant.
Coding change: c.85A>G on transcript NM_014314.4 (MANE Select); coding-DNA position 85, A replaced by G.
Protein change: p.Met29Val; replaces methionine 29 with valine.
Molecular consequence: missense variant. On other transcripts: 5 prime UTR variant (3).
Genome position (GRCh38, 1-based): chr9:32,526,082, T>C on the plus strand (A>G on the coding strand, the complement: RIGI is on the minus strand). VCF-style: chr9-32526082-T-C. GRCh37 (hg19) VCF-style: chr9-32526080-T-C.
Other names: c.85A>G, p.Met29Val (NM_001385909.1, NM_001385913.1, NM_001385907.1); c.-370A>G (NM_001385910.1, NM_001385914.1); c.-377A>G (NM_001385912.1); c.85A>G (NM_014314.3); short protein forms M29V.
Identifiers: ClinVar variation 3633874 (VCV003633874.3).